The following is an entry in ClinVar:

ClinVar aggregate classification (germline): Likely benign (1 of 4 stars; one submission).

gnomAD v4.1: 52 of 1,612,402 alleles (0.0032%); highest among the groups gnomAD compares: Admixed American, 0.082%; no homozygotes.

Submission:

CeGaT Center for Human Genetics Tuebingen
Classification: Likely benign. Last evaluated: 2026-07-01. Review status: criteria provided, single submitter. Criteria: CeGaT Center For Human Genetics Tuebingen Variant Classification Criteria Version 2. Collection method: clinical testing. Allele origin: germline. Affected: yes. Observed: 1 variant allele.
Comment: SHANK2: BP4, BP7

NM_012309.5(SHANK2):c.3468T>C (p.His1156=)

Gene: SHANK2 (SH3 and multiple ankyrin repeat domains 2; minus strand). Cytogenetic location: 11q13.3.
Variant type: single nucleotide variant.
Coding change: c.3468T>C on transcript NM_012309.5 (MANE Select); coding-DNA position 3468, T replaced by C.
Protein change: p.His1156=; no amino-acid change (histidine 1156 retained).
Molecular consequence: synonymous variant.
Genome position (GRCh38, 1-based): chr11:70,486,825, A>G on the plus strand (T>C on the coding strand, the complement: SHANK2 is on the minus strand). VCF-style: chr11-70486825-A-G. GRCh37 (hg19) VCF-style: chr11-70332930-A-G.
Other names: c.2331T>C, p.His777= (NM_001379226.1); c.3588T>C, p.His1196= (NM_001441024.1); c.3417T>C, p.His1139= (NM_001441025.1, NM_001441026.1, NM_001441027.1 and 8 more transcripts); c.3390T>C, p.His1130= (NM_001441035.1, NM_001441036.1, NM_001441037.1); c.3345T>C, p.His1115= (NM_001441038.1); c.2301T>C, p.His767= (NM_001441040.1); c.2253T>C, p.His751= (NM_001441041.1); c.1695T>C, p.His565= (NM_001441042.1); and 6 more.
Identifiers: ClinVar variation 5039927 (VCV005039927.1).